The following is an entry in ClinVar:

NM_001349206.2(LPIN1):c.707_709dup (p.Trp236_Ser237insTrp)

Gene: LPIN1 (lipin 1; plus strand). Cytogenetic location: 2p25.1.
Variant type: Duplication.
Coding change: c.707_709dup on transcript NM_001349206.2 (MANE Select); coding-DNA positions 707 to 709, 3 bases duplicated (GGT; older notation c.707_709dupGGT).
Protein change: p.Trp236_Ser237insTrp.
Molecular consequence: inframe insertion. On other transcripts: non-coding transcript variant (1).
Genome position (GRCh38, 1-based): chr2:11,773,730-11,773,732, GGT duplicated; duplicating any 3 consecutive bases within chr2:11,773,728-11,773,732 gives the same sequence; the c. name uses the placement nearest the transcript's 3' end. VCF-style (leftmost placement, unchanged base first): chr2-11773727-A-AGTG. GRCh37 (hg19) VCF-style: chr2-11913853-A-AGTG.
Other names: c.725_727dup, p.Trp242_Ser243insTrp (NM_001261427.3); c.854_856dup, p.Trp285_Ser286insTrp (NM_001261428.3, NM_001349208.2); c.707_709dup, p.Trp236_Ser237insTrp (NM_001349199.2, NM_001349200.2, NM_001349201.2 and 5 more transcripts); c.797_799dup, p.Trp266_Ser267insTrp (NM_001349207.2).
Identifiers: ClinVar variation 2007302 (VCV002007302.1), dbSNP rs2546098910, ClinGen allele CA2580063690.
Genomic context (GRCh38, chr2:11,773,727, plus strand): 5'-AAAACCTCTCCCTGGCTGTGATTTACCCTCAGTCAGCCTCATACCCTAATTCGGATAGAG[A>AGTG]GTGGTCACCCACTCCCAGGTAAGCTGTTCCCTGTTCCCCTGGCCCAGTGCAGAGGCTTAG-3'

ClinVar aggregate classification (germline): Uncertain significance (1 of 4 stars; one submission).

Submission:

Labcorp Genetics (formerly Invitae), Labcorp
Classification: Uncertain significance. Last evaluated: 2022-08-17. Review status: criteria provided, single submitter. Criteria: Invitae Variant Classification Sherloc (09022015). Collection method: clinical testing. Allele origin: germline.
Comment: This variant, c.707_709dup, results in the insertion of 1 amino acid(s) of the LPIN1 protein (p.Trp236dup), but otherwise preserves the integrity of the reading frame. This variant is not present in population databases (gnomAD no frequency). This variant has not been reported in the literature in individuals affected with LPIN1-related conditions. In summary, the available evidence is currently insufficient to determine the role of this variant in disease. Therefore, it has been classified as a Variant of Uncertain Significance.